The following is an entry in ClinVar:

NM_002299.4(LCT):c.935T>C (p.Ile312Thr)

Genes: LCT (lactase; minus strand), LCT-AS1 (LCT antisense RNA 1; plus strand). Cytogenetic location: 2q21.3.
Variant type: single nucleotide variant.
Coding change: c.935T>C on transcript NM_002299.4 (MANE Select); coding-DNA position 935, T replaced by C.
Protein change: p.Ile312Thr; replaces isoleucine 312 with threonine.
Molecular consequence: missense variant. On other transcripts: non-coding transcript variant (1).
Genome position (GRCh38, 1-based): chr2:135,822,071, A>G on the plus strand (T>C on the coding strand, the complement: LCT is on the minus strand). VCF-style: chr2-135822071-A-G. GRCh37 (hg19) VCF-style: chr2-136579641-A-G.
Other names: c.935T>C (NM_002299.2); short protein forms I312T.
Identifiers: ClinVar variation 1357255 (VCV001357255.8), dbSNP rs749365569, ClinGen allele CA1888481.

ClinVar aggregate classification (germline): Uncertain significance. Review status: criteria provided, multiple submitters, no conflicts (2 of 4 stars). 2 submissions from 2 submitters: Uncertain significance (2). Last evaluated 2022-05-27.

Conditions:
Inborn genetic diseases. Identifiers: MedGen C0950123, MeSH D030342.

Allele frequency attached by ClinVar (database versions not stated): TOPMed 0.00006; gnomAD 0.00002; gnomAD exomes 0.00008; ExAC 0.00008.
gnomAD v4.1: 28 of 1,606,160 alleles (0.0017%); highest among the groups gnomAD compares: East Asian, 0.053%; no homozygotes.

Submissions (2):

Ambry Genetics
Classification: Uncertain significance for Inborn genetic diseases. Last evaluated: 2022-05-27. Review status: criteria provided, single submitter. Criteria: Ambry Variant Classification Scheme 2023. Collection method: clinical testing. Allele origin: germline.

Labcorp Genetics (formerly Invitae), Labcorp
Classification: Uncertain significance. Last evaluated: 2021-08-09. Review status: criteria provided, single submitter. Criteria: Invitae Variant Classification Sherloc (09022015). Collection method: clinical testing. Allele origin: germline.
Comment: In summary, the available evidence is currently insufficient to determine the role of this variant in disease. Therefore, it has been classified as a Variant of Uncertain Significance. Algorithms developed to predict the effect of missense changes on protein structure and function are either unavailable or do not agree on the potential impact of this missense change (SIFT: "Not Available"; PolyPhen-2: "Benign"; Align-GVGD: "Not Available"). This variant has not been reported in the literature in individuals with LCT-related conditions. This variant is present in population databases (rs749365569, ExAC 0.1%). This sequence change replaces isoleucine with threonine at codon 312 of the LCT protein (p.Ile312Thr). The isoleucine residue is weakly conserved and there is a moderate physicochemical difference between isoleucine and threonine.